The following is an entry in ClinVar:

ClinVar aggregate classification (germline): Uncertain significance (1 of 4 stars; one submission).

Conditions:
Pierpont syndrome (PRPTS). Identifiers: Orphanet 487825, MedGen C1865644, MONDO:0011213, OMIM 602342.

Allele frequency attached by ClinVar (database versions not stated): ExAC 0.00001.
gnomAD v4.1: 1 of 1,613,484 alleles (0.000062%); highest among the groups gnomAD compares: South Asian, 0.0011%; no homozygotes.

Submission:

Labcorp Genetics (formerly Invitae), Labcorp
Classification: Uncertain significance for Pierpont syndrome. Last evaluated: 2022-08-16. Review status: criteria provided, single submitter. Criteria: Invitae Variant Classification Sherloc (09022015). Collection method: clinical testing. Allele origin: germline.
Comment: In summary, the available evidence is currently insufficient to determine the role of this variant in disease. Therefore, it has been classified as a Variant of Uncertain Significance. Advanced modeling of protein sequence and biophysical properties (such as structural, functional, and spatial information, amino acid conservation, physicochemical variation, residue mobility, and thermodynamic stability) performed at Invitae indicates that this missense variant is not expected to disrupt TBL1XR1 protein function. ClinVar contains an entry for this variant (Variation ID: 1520981). This variant has not been reported in the literature in individuals affected with TBL1XR1-related conditions. This variant is not present in population databases (gnomAD no frequency). This sequence change replaces aspartic acid, which is acidic and polar, with glutamic acid, which is acidic and polar, at codon 101 of the TBL1XR1 protein (p.Asp101Glu).

NM_024665.7(TBL1XR1):c.303T>G (p.Asp101Glu)

Gene: TBL1XR1 (TBL1X/Y related 1; minus strand). Cytogenetic location: 3q26.32.
Variant type: single nucleotide variant.
Coding change: c.303T>G on transcript NM_024665.7 (MANE Select); coding-DNA position 303, T replaced by G.
Protein change: p.Asp101Glu; replaces aspartic acid 101 with glutamic acid.
Molecular consequence: missense variant.
Genome position (GRCh38, 1-based): chr3:177,051,628, A>C on the plus strand (T>G on the coding strand, the complement: TBL1XR1 is on the minus strand). VCF-style: chr3-177051628-A-C. GRCh37 (hg19) VCF-style: chr3-176769416-A-C.
Other names: c.303T>G, p.Asp101Glu (NM_001321193.3, NM_001321194.3, NM_001374327.1 and 2 more transcripts); c.42T>G, p.Asp14Glu (NM_001321195.3, NM_001374330.1); short protein forms D14E, D101E.
Identifiers: ClinVar variation 1520981 (VCV001520981.8), dbSNP rs764319248, ClinGen allele CA2710015.